The following is an entry in ClinVar:

ClinVar aggregate classification (germline): Likely benign. Review status: criteria provided, multiple submitters, no conflicts (2 of 4 stars). 4 submissions from 4 submitters: Likely benign (4). Last evaluated 2026-05-01.

Allele frequency attached by ClinVar (database versions not stated): gnomAD exomes 0.00032 and 0.00086; ExAC 0.00105; 1000 Genomes Project 0.00140; 1000 Genomes Project 30x 0.00141; ESP Exome Variant Server 0.00154; gnomAD 0.00183; TOPMed 0.00193.
gnomAD v4.1: 750 of 1,611,752 alleles (0.047%); highest among the groups gnomAD compares: African/African-American, 0.54%; 22 homozygotes.

Submissions (4):

CeGaT Center for Human Genetics Tuebingen
Classification: Likely benign. Last evaluated: 2026-05-01. Review status: criteria provided, single submitter. Criteria: CeGaT Center For Human Genetics Tuebingen Variant Classification Criteria Version 2. Collection method: clinical testing. Allele origin: germline. Affected: yes. Observed: 1 variant allele.
Comment: CFHR4: BP4, BP7, BS2

Women's Health and Genetics/Laboratory Corporation of America, LabCorp
Classification: Likely benign. Last evaluated: 2026-01-22. Review status: criteria provided, single submitter. Criteria: LabCorp Variant Classification Summary - May 2015. Collection method: clinical testing. Allele origin: germline.

Mayo Clinic Laboratories, Mayo Clinic
Classification: Likely benign. Last evaluated: 2025-11-18. Review status: criteria provided, single submitter. Criteria: ACMG Guidelines, 2015. Collection method: clinical testing. Allele origin: germline. Observed: 5 variant alleles.
Comment: BP4, BP7

Genetic Services Laboratory, University of Chicago
Classification: Likely benign. Last evaluated: 2020-07-09. Review status: criteria provided, single submitter. Criteria: ACMG Guidelines, 2015. Collection method: clinical testing. Allele origin: germline. Affected: no.

NM_001201550.3(CFHR4):c.1710C>G (p.Gly570=)

Gene: CFHR4 (complement factor H related 4; plus strand). Cytogenetic location: 1q31.3.
Variant type: single nucleotide variant.
Coding change: c.1710C>G on transcript NM_001201550.3 (MANE Select); coding-DNA position 1710, C replaced by G.
Protein change: p.Gly570=; no amino-acid change (glycine 570 retained).
Molecular consequence: synonymous variant.
Genome position (GRCh38, 1-based): chr1:196,918,379, C>G. VCF-style: chr1-196918379-C-G. GRCh37 (hg19) VCF-style: chr1-196887509-C-G.
Other names: p.Gly569=; c.1707C>G, p.Gly569= (NM_001201551.2); c.969C>G, p.Gly323= (NM_006684.5).
Identifiers: ClinVar variation 1336619 (VCV001336619.8), dbSNP rs372354422, ClinGen allele CA1307270.